The following is an entry in ClinVar:

ClinVar aggregate classification (germline): Uncertain significance. Review status: criteria provided, multiple submitters, no conflicts (2 of 4 stars). 3 submissions from 3 submitters: Uncertain significance (3). Last evaluated 2024-05-23.

Conditions:
Inborn genetic diseases. Identifiers: MedGen C0950123, MeSH D030342.
Combined immunodeficiency due to LRBA deficiency. Also called: Common variable immunodeficiency 8, with autoimmunity. Identifiers: Orphanet 445018, MedGen C3553512, MONDO:0013863, OMIM 614700.

Allele frequency attached by ClinVar (database versions not stated): TOPMed 0.00038; gnomAD 0.00041 and 0.00036; ESP Exome Variant Server 0.00046; gnomAD exomes 0.00003 and 0.00010; ExAC 0.00008; 1000 Genomes Project 30x 0.00016; 1000 Genomes Project 0.00020.
gnomAD v4.1: 99 of 1,591,468 alleles (0.0062%); highest among the groups gnomAD compares: African/African-American, 0.13%; no homozygotes.

Submissions (3):

Fulgent Genetics
Classification: Uncertain significance for Combined immunodeficiency due to LRBA deficiency. Last evaluated: 2024-05-23. Review status: criteria provided, single submitter. Criteria: ACMG Guidelines, 2015. Collection method: clinical testing. Allele origin: germline.

Ambry Genetics
Classification: Uncertain significance for Inborn genetic diseases. Last evaluated: 2024-04-23. Review status: criteria provided, single submitter. Criteria: Ambry Variant Classification Scheme 2023. Collection method: clinical testing. Allele origin: germline.

Labcorp Genetics (formerly Invitae), Labcorp
Classification: Uncertain significance for Combined immunodeficiency due to LRBA deficiency. Last evaluated: 2022-03-12. Review status: criteria provided, single submitter. Criteria: Invitae Variant Classification Sherloc (09022015). Collection method: clinical testing. Allele origin: germline.
Comment: This sequence change replaces methionine, which is neutral and non-polar, with isoleucine, which is neutral and non-polar, at codon 2370 of the LRBA protein (p.Met2370Ile). This variant is present in population databases (rs146268782, gnomAD 0.1%). This variant has not been reported in the literature in individuals affected with LRBA-related conditions. ClinVar contains an entry for this variant (Variation ID: 540380). Algorithms developed to predict the effect of missense changes on protein structure and function are either unavailable or do not agree on the potential impact of this missense change (SIFT: "Tolerated"; PolyPhen-2: "Probably Damaging"; Align-GVGD: "Class C0"). In summary, the available evidence is currently insufficient to determine the role of this variant in disease. Therefore, it has been classified as a Variant of Uncertain Significance.

NM_001364905.1(LRBA):c.7077G>A (p.Met2359Ile)

Gene: LRBA (LPS responsive beige-like anchor protein; minus strand). Cytogenetic location: 4q31.3.
Variant type: single nucleotide variant.
Coding change: c.7077G>A on transcript NM_001364905.1 (MANE Select); coding-DNA position 7077, G replaced by A.
Protein change: p.Met2359Ile; replaces methionine 2359 with isoleucine.
Molecular consequence: missense variant.
Genome position (GRCh38, 1-based): chr4:150,415,555, C>T on the plus strand (G>A on the coding strand, the complement: LRBA is on the minus strand). VCF-style: chr4-150415555-C-T. GRCh37 (hg19) VCF-style: chr4-151336707-C-T.
Other names: c.7077G>A, p.Met2359Ile (NM_001199282.3, NM_001367550.1); c.7110G>A, p.Met2370Ile (NM_006726.5); short protein forms M2370I, M2359I.
Identifiers: ClinVar variation 540380 (VCV000540380.6), dbSNP rs146268782, ClinGen allele CA3101736.